The following is an entry in ClinVar:

NM_015896.4(ZMYND10):c.775G>A (p.Asp259Asn)

Gene: ZMYND10 (zinc finger MYND-type containing 10; minus strand). Cytogenetic location: 3p21.31.
Variant type: single nucleotide variant.
Coding change: c.775G>A on transcript NM_015896.4 (MANE Select); coding-DNA position 775, G replaced by A.
Protein change: p.Asp259Asn; replaces aspartic acid 259 with asparagine.
Molecular consequence: missense variant.
Genome position (GRCh38, 1-based): chr3:50,342,495, C>T on the plus strand (G>A on the coding strand, the complement: ZMYND10 is on the minus strand). VCF-style: chr3-50342495-C-T. GRCh37 (hg19) VCF-style: chr3-50379926-C-T.
Other names: c.760G>A, p.Asp254Asn (NM_001308379.2); short protein forms D259N, D254N.
Identifiers: ClinVar variation 659127 (VCV000659127.6), dbSNP rs772481555, ClinGen allele CA2417086.

ClinVar aggregate classification (germline): Uncertain significance (1 of 4 stars; one submission).

Conditions:
Primary ciliary dyskinesia. Also called: Ciliary dyskinesia. Identifiers: Orphanet 244, MedGen C0008780, MONDO:0016575, HP:0012265.

Allele frequency attached by ClinVar (database versions not stated): gnomAD exomes below 0.00001; ExAC 0.00001.
gnomAD v4.1: 2 of 1,614,068 alleles (0.00012%); highest among the groups gnomAD compares: Middle Eastern, 0.017%; no homozygotes.

Submission:

Labcorp Genetics (formerly Invitae), Labcorp
Classification: Uncertain significance for Primary ciliary dyskinesia. Last evaluated: 2022-07-15. Review status: criteria provided, single submitter. Criteria: Invitae Variant Classification Sherloc (09022015). Collection method: clinical testing. Allele origin: germline.
Comment: This variant is present in population databases (rs772481555, gnomAD 0.0009%). In summary, the available evidence is currently insufficient to determine the role of this variant in disease. Therefore, it has been classified as a Variant of Uncertain Significance. Algorithms developed to predict the effect of missense changes on protein structure and function are either unavailable or do not agree on the potential impact of this missense change (SIFT: "Deleterious"; PolyPhen-2: "Possibly Damaging"; Align-GVGD: "Class C0"). ClinVar contains an entry for this variant (Variation ID: 659127). This variant has not been reported in the literature in individuals affected with ZMYND10-related conditions. This sequence change replaces aspartic acid, which is acidic and polar, with asparagine, which is neutral and polar, at codon 259 of the ZMYND10 protein (p.Asp259Asn).